The following is an entry in ClinVar:

ClinVar aggregate classification (germline): Likely benign. Review status: criteria provided, multiple submitters, no conflicts (2 of 4 stars). 3 submissions from 3 submitters: Likely benign (2). 1 of the submissions does not count toward it. Last evaluated 2024-09-30.

Conditions:
NEFH-related disorder. Also called: NEFH-related condition.

Allele frequency attached by ClinVar (database versions not stated): gnomAD exomes below 0.00001.

Submissions (3):

Blueprint Genetics
Classification: Likely benign. Last evaluated: 2024-09-30. Review status: criteria provided, single submitter. Criteria: ACMG Guidelines, 2015. Collection method: clinical testing. Allele origin: germline.

Labcorp Genetics (formerly Invitae), Labcorp
Classification: Likely benign. Last evaluated: 2023-10-30. Review status: criteria provided, single submitter. Criteria: Invitae Variant Classification Sherloc (09022015). Collection method: clinical testing. Allele origin: germline.

PreventionGenetics, part of Exact Sciences
Classification: Likely benign for NEFH-related condition. Last evaluated: 2022-07-26. Review status: no assertion criteria provided. Collection method: clinical testing. Allele origin: germline. Not counted in ClinVar's aggregate classification.
Comment: This variant is classified as likely benign based on ACMG/AMP sequence variant interpretation guidelines (Richards et al. 2015 PMID: 25741868, with internal and published modifications).

NM_021076.4(NEFH):c.1047G>T (p.Leu349=)

Gene: NEFH (neurofilament heavy chain; plus strand). Cytogenetic location: 22q12.2.
Variant type: single nucleotide variant.
Coding change: c.1047G>T on transcript NM_021076.4 (MANE Select); coding-DNA position 1047, G replaced by T.
Protein change: p.Leu349=; no amino-acid change (leucine 349 retained).
Molecular consequence: synonymous variant.
Genome position (GRCh38, 1-based): chr22:29,483,538, G>T. VCF-style: chr22-29483538-G-T. GRCh37 (hg19) VCF-style: chr22-29879527-G-T.
Other names: c.1047G>T (NM_021076.3).
Identifiers: ClinVar variation 1644673 (VCV001644673.11), dbSNP rs1269206770, ClinGen allele CA513987426.
Genomic context (GRCh38, chr22:29,483,538, plus strand): 5'-CACAGAGCTGGAGGCACTGAAAAGCACCAAGGACTCACTGGAGAGGCAGCGCTCTGAGCT[G>T]GAGGACCGTCATCAGGCCGACATTGCCTCCTACCAGGTGGGCAGGGGCAAGGCAGACAGC-3'
Protein context (NP_066554.2, residues 339-359): KDSLERQRSE[Leu349=]EDRHQADIAS